The following is an entry in ClinVar:

ClinVar aggregate classification (germline): Uncertain significance (1 of 4 stars; one submission).

Submission:

Mayo Clinic Laboratories, Mayo Clinic
Classification: Uncertain significance. Last evaluated: 2025-03-17. Review status: criteria provided, single submitter. Criteria: ACMG Guidelines, 2015. Collection method: clinical testing. Allele origin: germline. Observed: 1 variant allele.
Comment: PM2_supporting

NM_015378.4(VPS13D):c.3016G>A (p.Val1006Met)

Gene: VPS13D (vacuolar protein sorting 13 homolog D; plus strand). Cytogenetic location: 1p36.22.
Variant type: single nucleotide variant.
Coding change: c.3016G>A on transcript NM_015378.4 (MANE Select); coding-DNA position 3016, G replaced by A.
Protein change: p.Val1006Met; replaces valine 1006 with methionine.
Molecular consequence: missense variant.
Genome position (GRCh38, 1-based): chr1:12,276,604, G>A. VCF-style: chr1-12276604-G-A. GRCh37 (hg19) VCF-style: chr1-12336661-G-A.
Other names: p.Val1006Met; c.3016G>A, p.Val1006Met (NM_018156.4); short protein forms V1006M.
Identifiers: ClinVar variation 4540678 (VCV004540678.1).